The following is an entry in ClinVar:

ClinVar aggregate classification (germline): Uncertain significance (1 of 4 stars; one submission).

Conditions:
INSL3-related disorder. Also called: INSL3-related condition.

gnomAD v4.1: 1 of 1,613,720 alleles (0.000062%); highest among the groups gnomAD compares: Admixed American, 0.0017%; no homozygotes.

Submission:

PreventionGenetics, part of Exact Sciences
Classification: Uncertain significance for INSL3-related condition. Last evaluated: 2026-06-10. Review status: criteria provided, single submitter. Criteria: ACMG Guidelines, 2015. Collection method: clinical testing. Allele origin: germline.
Comment: The INSL3 c.371A>G variant is predicted to result in the amino acid substitution p.Asp124Gly. To our knowledge, this variant has not been reported in the literature or in a large population database (gnomAD), indicating this variant is rare. At this time, the clinical significance of this variant is uncertain due to the absence of conclusive functional and genetic evidence.

NM_005543.4(INSL3):c.371A>G (p.Asp124Gly)

Gene: INSL3 (insulin like 3; minus strand). Cytogenetic location: 19p13.11.
Variant type: single nucleotide variant.
Coding change: c.371A>G on transcript NM_005543.4 (MANE Select); coding-DNA position 371, A replaced by G.
Protein change: p.Asp124Gly; replaces aspartic acid 124 with glycine.
Molecular consequence: missense variant.
Genome position (GRCh38, 1-based): chr19:17,816,879, T>C on the plus strand (A>G on the coding strand, the complement: INSL3 is on the minus strand). VCF-style: chr19-17816879-T-C. GRCh37 (hg19) VCF-style: chr19-17927688-T-C.
Other names: c.466A>G, p.Thr156Ala (NM_001265587.2); short protein forms D124G, T156A.
Identifiers: ClinVar variation 4991983 (VCV004991983.1).
Genomic context (GRCh38, chr19:17,816,879, plus strand): 5'-CCTCAGGCCACTCTGAGGCTGCACCCAAGGAGGAATCAGTAGGGACAGAGGGTCAGCAGG[T>C]CTTGTTGGGTACAGCCACTGAGGCAGCAGTAGCGTGCAGGGTTGGTGGCAGCTGCACGGT-3'
Protein context (NP_005534.2, residues 114-131): YCCLSGCTQQ[Asp124Gly]LLTLCPY